The following is an entry in ClinVar:

ClinVar aggregate classification (germline): Uncertain significance (1 of 4 stars; one submission).

Conditions:
Hereditary cancer-predisposing syndrome. Also called: Tumor predisposition; Hereditary Cancer Syndrome; Hereditary neoplastic syndrome; Neoplastic Syndromes, Hereditary. Identifiers: Orphanet 140162, MedGen C0027672, MeSH D009386, MONDO:0015356.

Submission:

Ambry Genetics
Classification: Uncertain significance for Hereditary cancer-predisposing syndrome. Last evaluated: 2023-06-19. Review status: criteria provided, single submitter. Criteria: Ambry Variant Classification Scheme 2023. Collection method: clinical testing. Allele origin: germline.
Comment: The p.A840T variant (also known as c.2518G>A), located in coding exon 17 of the SMARCA4 gene, results from a G to A substitution at nucleotide position 2518. The alanine at codon 840 is replaced by threonine, an amino acid with similar properties. This amino acid position is well conserved in available vertebrate species. In addition, the in silico prediction for this alteration is inconclusive. Since supporting evidence is limited at this time, the clinical significance of this alteration remains unclear.

NM_003072.5(SMARCA4):c.2518G>A (p.Ala840Thr)

Gene: SMARCA4 (SWI/SNF related BAF chromatin remodeling complex subunit ATPase 4; plus strand). Cytogenetic location: 19p13.2.
Variant type: single nucleotide variant.
Coding change: c.2518G>A on transcript NM_003072.5 (MANE Select); coding-DNA position 2518, G replaced by A.
Protein change: p.Ala840Thr; replaces alanine 840 with threonine.
Molecular consequence: missense variant. On other transcripts: non-coding transcript variant (1).
Genome position (GRCh38, 1-based): chr19:11,019,603, G>A. VCF-style: chr19-11019603-G-A. GRCh37 (hg19) VCF-style: chr19-11130279-G-A.
Other names: c.2518G>A, p.Ala840Thr (NM_001128844.3, NM_001128845.2, NM_001128846.2 and 6 more transcripts); short protein forms A840T.
Identifiers: ClinVar variation 2587105 (VCV002587105.2), dbSNP rs1295442643, ClinGen allele CA404054223.